The following is an entry in ClinVar:

NM_002224.4(ITPR3):c.5617A>G (p.Ile1873Val)

Gene: ITPR3 (inositol 1,4,5-trisphosphate receptor type 3; plus strand). Cytogenetic location: 6p21.31.
Variant type: single nucleotide variant.
Coding change: c.5617A>G on transcript NM_002224.4 (MANE Select); coding-DNA position 5617, A replaced by G.
Protein change: p.Ile1873Val; replaces isoleucine 1873 with valine.
Molecular consequence: missense variant.
Genome position (GRCh38, 1-based): chr6:33,685,777, A>G. VCF-style: chr6-33685777-A-G. GRCh37 (hg19) VCF-style: chr6-33653554-A-G.
Other names: short protein forms I1873V.
Identifiers: ClinVar variation 2430476 (VCV002430476.1), dbSNP rs967128309, ClinGen allele CA137152825.
Genomic context (GRCh38, chr6:33,685,777, plus strand): 5'-GAGGTGAGCGAACGTGTGCAGAGCAGTGAGATGGGCACATCCGTGCTCATCATGCAGCCC[A>G]TCCTGCGCTTTCTGCAGCTGCTGTGTGAGAACCACAACCGGGACCTGCAGGTGAGTGCCT-3'
Protein context (NP_002215.2, residues 1863-1883): MGTSVLIMQP[Ile1873Val]LRFLQLLCEN

ClinVar aggregate classification (germline): Uncertain significance (1 of 4 stars; one submission).

Allele frequency attached by ClinVar (database versions not stated): TOPMed below 0.00001; gnomAD 0.00001; gnomAD exomes 0.00001.
gnomAD v4.1: 11 of 1,594,698 alleles (0.00069%); highest among the groups gnomAD compares: Non-Finnish European, 0.00077%; no homozygotes.

Submission:

GeneDx
Classification: Uncertain significance. Last evaluated: 2022-08-20. Review status: criteria provided, single submitter. Criteria: GeneDx Variant Classification Process June 2021. Collection method: clinical testing. Allele origin: germline. Affected: yes.
Comment: Not observed at significant frequency in large population cohorts (gnomAD); In silico analysis supports that this missense variant does not alter protein structure/function; Has not been previously published as pathogenic or benign to our knowledge